The following is an entry in ClinVar:

NM_182914.3(SYNE2):c.2002-18T>G

Gene: SYNE2 (spectrin repeat containing nuclear envelope protein 2; plus strand). Cytogenetic location: 14q23.2.
Variant type: single nucleotide variant.
Coding change: c.2002-18T>G on transcript NM_182914.3 (MANE Select); 18 bases into the intron before coding-DNA position 2002, T replaced by G.
Molecular consequence: intron variant.
Genome position (GRCh38, 1-based): chr14:63,983,719, T>G. VCF-style: chr14-63983719-T-G. GRCh37 (hg19) VCF-style: chr14-64450437-T-G.
Other names: c.2002-18T>G (NM_015180.6).
Identifiers: ClinVar variation 2682496 (VCV002682496.1), dbSNP rs2096603990, ClinGen allele CA2142440492.

ClinVar aggregate classification (germline): Uncertain significance (1 of 4 stars; one submission).

Allele frequency attached by ClinVar (database versions not stated): gnomAD exomes below 0.00001.
gnomAD v4.1: 1 of 1,603,284 alleles (0.000062%); highest among the groups gnomAD compares: African/African-American, 0.0013%; no homozygotes.

Submission:

Women's Health and Genetics/Laboratory Corporation of America, LabCorp
Classification: Uncertain significance. Last evaluated: 2023-11-13. Review status: criteria provided, single submitter. Criteria: LabCorp Variant Classification Summary - May 2015. Collection method: clinical testing. Allele origin: germline.
Comment: Variant summary: SYNE2 c.2002-18T>G alters a non-conserved nucleotide located at a position not widely known to affect splicing. Several computational tools predict a significant impact on normal splicing: Two predict the variant weakens the 3' canonical acceptor site. Two predict the variant creates a 3' cryptic acceptor site. However, these predictions have yet to be confirmed by functional studies. The variant was absent in 247336 control chromosomes. The available data on variant occurrences in the general population are insufficient to allow any conclusion about variant significance. To our knowledge, no occurrence of c.2002-18T>G in individuals affected with Emery-Dreifuss Muscular Dystrophy 5, Autosomal Dominant and no experimental evidence demonstrating its impact on protein function have been reported. No submitters have cited clinical-significance assessments for this variant to ClinVar after 2014. Based on the evidence outlined above, the variant was classified as uncertain significance.